The following is an entry in ClinVar:

ClinVar aggregate classification (germline): Likely benign. Review status: criteria provided, multiple submitters, no conflicts (2 of 4 stars). 3 submissions from 3 submitters: Likely benign (2). 1 of the submissions does not count toward it. Last evaluated 2025-02-20.

Conditions:
Vici syndrome (VICIS). Identifiers: Orphanet 1493, MedGen C1855772, MONDO:0009452, OMIM 242840.
EPG5-related disorder. Also called: EPG5-related condition. Identifiers: MedGen CN381528.

Allele frequency attached by ClinVar (database versions not stated): gnomAD 0.00003; ExAC 0.00004; TOPMed 0.00004; gnomAD exomes 0.00007; ESP Exome Variant Server 0.00008.
gnomAD v4.1: 103 of 1,585,018 alleles (0.0065%); highest among the groups gnomAD compares: Non-Finnish European, 0.008%; no homozygotes.

Submissions (3):

Labcorp Genetics (formerly Invitae), Labcorp
Classification: Likely benign for Vici syndrome. Last evaluated: 2025-02-20. Review status: criteria provided, single submitter. Criteria: Invitae Variant Classification Sherloc (09022015). Collection method: clinical testing. Allele origin: germline.

Blueprint Genetics
Classification: Likely benign. Last evaluated: 2024-06-07. Review status: criteria provided, single submitter. Criteria: ACMG Guidelines, 2015. Collection method: clinical testing. Allele origin: germline.

PreventionGenetics, part of Exact Sciences
Classification: Likely benign for EPG5-related condition. Last evaluated: 2019-04-26. Review status: no assertion criteria provided. Collection method: clinical testing. Allele origin: germline. Not counted in ClinVar's aggregate classification.
Comment: This variant is classified as likely benign based on ACMG/AMP sequence variant interpretation guidelines (Richards et al. 2015 PMID: 25741868, with internal and published modifications).

NM_020964.3(EPG5):c.3693+8A>G

Gene: EPG5 (ectopic P-granules 5 autophagy tethering factor; minus strand). Cytogenetic location: 18q21.1.
Variant type: single nucleotide variant.
Coding change: c.3693+8A>G on transcript NM_020964.3 (MANE Select); 8 bases into the intron after coding-DNA position 3693, A replaced by G.
Molecular consequence: intron variant.
Genome position (GRCh38, 1-based): chr18:45,915,503, T>C on the plus strand (A>G on the coding strand, the complement: EPG5 is on the minus strand). VCF-style: chr18-45915503-T-C. GRCh37 (hg19) VCF-style: chr18-43495468-T-C.
Other names: c.3693+8A>G (NM_020964.2).
Identifiers: ClinVar variation 2186324 (VCV002186324.7), dbSNP rs367663640, ClinGen allele CA8949100.